The following is an entry in ClinVar:

ClinVar aggregate classification (germline): Likely benign (1 of 4 stars; one submission).

gnomAD v4.1: 3 of 1,613,822 alleles (0.00019%); highest among the groups gnomAD compares: Non-Finnish European, 0.00025%; no homozygotes.

Submission:

CeGaT Center for Human Genetics Tuebingen
Classification: Likely benign. Last evaluated: 2026-03-01. Review status: criteria provided, single submitter. Criteria: CeGaT Center For Human Genetics Tuebingen Variant Classification Criteria Version 2. Collection method: clinical testing. Allele origin: germline. Affected: yes. Observed: 1 variant allele.
Comment: ZNF699: BP4, BP7

NM_198535.3(ZNF699):c.1449C>T (p.Thr483=)

Gene: ZNF699 (zinc finger protein 699; minus strand). Cytogenetic location: 19p13.2.
Variant type: single nucleotide variant.
Coding change: c.1449C>T on transcript NM_198535.3 (MANE Select); coding-DNA position 1449, C replaced by T.
Protein change: p.Thr483=; no amino-acid change (threonine 483 retained).
Molecular consequence: synonymous variant.
Genome position (GRCh38, 1-based): chr19:9,295,955, G>A on the plus strand (C>T on the coding strand, the complement: ZNF699 is on the minus strand). VCF-style: chr19-9295955-G-A. GRCh37 (hg19) VCF-style: chr19-9406631-G-A.
Identifiers: ClinVar variation 4823795 (VCV004823795.4).